The following is an entry in ClinVar:

ClinVar aggregate classification (germline): Conflicting classifications of pathogenicity. Review status: criteria provided, conflicting classifications (1 of 4 stars). 2 submissions from 2 submitters: Uncertain significance (1); Likely benign (1). Last evaluated 2025-08-03.

Conditions:
Inborn genetic diseases. Identifiers: MedGen C0950123, MeSH D030342.

Allele frequency attached by ClinVar (database versions not stated): gnomAD 0.00003; ExAC 0.00007.

Submissions (2):

Labcorp Genetics (formerly Invitae), Labcorp
Classification: Uncertain significance. Last evaluated: 2025-08-03. Review status: criteria provided, single submitter. Criteria: Invitae Variant Classification Sherloc (09022015). Collection method: clinical testing. Allele origin: germline.
Comment: This sequence change replaces alanine, which is neutral and non-polar, with threonine, which is neutral and polar, at codon 383 of the AHDC1 protein (p.Ala383Thr). This variant is present in population databases (rs760693423, gnomAD 0.03%). This variant has not been reported in the literature in individuals affected with AHDC1-related conditions. ClinVar contains an entry for this variant (Variation ID: 2996598). An algorithm developed to predict the effect of missense changes on protein structure and function (PolyPhen-2) suggests that this variant is likely to be disruptive. In summary, the available evidence is currently insufficient to determine the role of this variant in disease. Therefore, it has been classified as a Variant of Uncertain Significance.

Ambry Genetics
Classification: Likely benign for Inborn genetic diseases. Last evaluated: 2025-02-24. Review status: criteria provided, single submitter. Criteria: Ambry Variant Classification Scheme 2023. Collection method: clinical testing. Allele origin: germline.

NM_001371928.1(AHDC1):c.1147G>A (p.Ala383Thr)

Gene: AHDC1 (AT-hook DNA binding motif containing 1; minus strand). Cytogenetic location: 1p36.11.
Variant type: single nucleotide variant.
Coding change: c.1147G>A on transcript NM_001371928.1 (MANE Select); coding-DNA position 1147, G replaced by A.
Protein change: p.Ala383Thr; replaces alanine 383 with threonine.
Molecular consequence: missense variant.
Genome position (GRCh38, 1-based): chr1:27,550,969, C>T on the plus strand (G>A on the coding strand, the complement: AHDC1 is on the minus strand). VCF-style: chr1-27550969-C-T. GRCh37 (hg19) VCF-style: chr1-27877480-C-T.
Other names: c.1147G>A (NM_001029882.2); c.1147G>A, p.Ala383Thr (NM_001029882.3); short protein forms A383T.
Identifiers: ClinVar variation 2996598 (VCV002996598.4), dbSNP rs760693423, ClinGen allele CA716010.